The following is an entry in ClinVar:

ClinVar aggregate classification (germline): Uncertain significance (1 of 4 stars; one submission).

Conditions:
Primary ciliary dyskinesia. Also called: Ciliary dyskinesia. Identifiers: Orphanet 244, MedGen C0008780, MONDO:0016575, HP:0012265.

gnomAD v4.1: 20 of 1,613,560 alleles (0.0012%); highest among the groups gnomAD compares: Middle Eastern, 0.016%; no homozygotes.

Submission:

Ambry Genetics
Classification: Uncertain significance for Primary ciliary dyskinesia. Last evaluated: 2025-01-28. Review status: criteria provided, single submitter. Criteria: Ambry Variant Classification Scheme 2023. Collection method: clinical testing. Allele origin: germline.
Comment: The p.T637M variant (also known as c.1910C>T), located in coding exon 9 of the DNAAF5 gene, results from a C to T substitution at nucleotide position 1910. The threonine at codon 637 is replaced by methionine, an amino acid with similar properties. This amino acid position is conserved. In addition, this alteration is predicted to be tolerated by in silico analysis. Based on the available evidence, the clinical significance of this variant remains unclear.

NM_017802.4(DNAAF5):c.1910C>T (p.Thr637Met)

Gene: DNAAF5 (dynein axonemal assembly factor 5; plus strand). Cytogenetic location: 7p22.3.
Variant type: single nucleotide variant.
Coding change: c.1910C>T on transcript NM_017802.4 (MANE Select); coding-DNA position 1910, C replaced by T.
Protein change: p.Thr637Met; replaces threonine 637 with methionine.
Molecular consequence: missense variant. On other transcripts: non-coding transcript variant (1).
Genome position (GRCh38, 1-based): chr7:770,597, C>T. VCF-style: chr7-770597-C-T. GRCh37 (hg19) VCF-style: chr7-810234-C-T.
Other names: short protein forms T637M.
Identifiers: ClinVar variation 3502913 (VCV003502913.2).